The following is an entry in ClinVar:

NM_003737.4(DCHS1):c.2872C>T (p.Pro958Ser)

Gene: DCHS1 (dachsous cadherin-related 1; minus strand). Cytogenetic location: 11p15.4.
Variant type: single nucleotide variant.
Coding change: c.2872C>T on transcript NM_003737.4 (MANE Select); coding-DNA position 2872, C replaced by T.
Protein change: p.Pro958Ser; replaces proline 958 with serine.
Molecular consequence: missense variant.
Genome position (GRCh38, 1-based): chr11:6,632,640, G>A on the plus strand (C>T on the coding strand, the complement: DCHS1 is on the minus strand). VCF-style: chr11-6632640-G-A. GRCh37 (hg19) VCF-style: chr11-6653871-G-A.
Other names: short protein forms P958S.
Identifiers: ClinVar variation 3666479 (VCV003666479.2).

ClinVar aggregate classification (germline): Uncertain significance (1 of 4 stars; one submission).

gnomAD v4.1: 3 of 1,554,424 alleles (0.00019%); highest among the groups gnomAD compares: Admixed American, 0.0038%; no homozygotes.

Submission:

Labcorp Genetics (formerly Invitae), Labcorp
Classification: Uncertain significance. Last evaluated: 2024-09-27. Review status: criteria provided, single submitter. Criteria: Invitae Variant Classification Sherloc (09022015). Collection method: clinical testing. Allele origin: germline.
Comment: This sequence change replaces proline, which is neutral and non-polar, with serine, which is neutral and polar, at codon 958 of the DCHS1 protein (p.Pro958Ser). The frequency data for this variant in the population databases is considered unreliable, as metrics indicate poor data quality at this position in the gnomAD database. This variant has not been reported in the literature in individuals affected with DCHS1-related conditions. Invitae Evidence Modeling of protein sequence and biophysical properties (such as structural, functional, and spatial information, amino acid conservation, physicochemical variation, residue mobility, and thermodynamic stability) indicates that this missense variant is not expected to disrupt DCHS1 protein function with a negative predictive value of 80%. In summary, the available evidence is currently insufficient to determine the role of this variant in disease. Therefore, it has been classified as a Variant of Uncertain Significance.